The following is an entry in ClinVar:

NM_014314.4(RIGI):c.1174G>T (p.Asp392Tyr)

Gene: RIGI (RNA sensor RIG-I; minus strand). Cytogenetic location: 9p21.1.
Variant type: single nucleotide variant.
Coding change: c.1174G>T on transcript NM_014314.4 (MANE Select); coding-DNA position 1174, G replaced by T.
Protein change: p.Asp392Tyr; replaces aspartic acid 392 with tyrosine.
Molecular consequence: missense variant.
Genome position (GRCh38, 1-based): chr9:32,487,983, C>A on the plus strand (G>T on the coding strand, the complement: RIGI is on the minus strand). VCF-style: chr9-32487983-C-A. GRCh37 (hg19) VCF-style: chr9-32487981-C-A.
Other names: c.1168G>T, p.Asp390Tyr (NM_001385907.1); c.1174G>T, p.Asp392Tyr (NM_001385909.1); c.733G>T, p.Asp245Tyr (NM_001385910.1); c.565G>T, p.Asp189Tyr (NM_001385912.1); c.1159G>T, p.Asp387Tyr (NM_001385913.1); c.730G>T, p.Asp244Tyr (NM_001385914.1); short protein forms D244Y, D245Y, D392Y, D390Y, D189Y, D387Y.
Identifiers: ClinVar variation 1351020 (VCV001351020.6), dbSNP rs1823985729, ClinGen allele CA373157507.

ClinVar aggregate classification (germline): Uncertain significance (1 of 4 stars; one submission).

Allele frequency attached by ClinVar (database versions not stated): TOPMed below 0.00001; gnomAD 0.00001.
gnomAD v4.1: 1 of 1,613,952 alleles (0.000062%); highest among the groups gnomAD compares: Non-Finnish European, 0.000085%; no homozygotes.

Submission:

Labcorp Genetics (formerly Invitae), Labcorp
Classification: Uncertain significance. Last evaluated: 2021-11-12. Review status: criteria provided, single submitter. Criteria: Invitae Variant Classification Sherloc (09022015). Collection method: clinical testing. Allele origin: germline.
Comment: In summary, the available evidence is currently insufficient to determine the role of this variant in disease. Therefore, it has been classified as a Variant of Uncertain Significance. Algorithms developed to predict the effect of missense changes on protein structure and function are either unavailable or do not agree on the potential impact of this missense change (SIFT: "Tolerated"; PolyPhen-2: "Probably Damaging"; Align-GVGD: "Class C0"). This variant has not been reported in the literature in individuals affected with DDX58-related conditions. This variant is not present in population databases (gnomAD no frequency). This sequence change replaces aspartic acid, which is acidic and polar, with tyrosine, which is neutral and polar, at codon 392 of the DDX58 protein (p.Asp392Tyr).